The following is an entry in ClinVar:

NM_000535.7(PMS2):c.23+7G>T

Gene: PMS2 (PMS1 homolog 2, mismatch repair system component; minus strand). Cytogenetic location: 7p22.1.
Variant type: single nucleotide variant.
Coding change: c.23+7G>T on transcript NM_000535.7 (MANE Select); 7 bases into the intron after coding-DNA position 23, G replaced by T.
Molecular consequence: intron variant. On other transcripts: 5 prime UTR variant (2).
Genome position (GRCh38, 1-based): chr7:6,008,990, C>A on the plus strand (G>T on the coding strand, the complement: PMS2 is on the minus strand). VCF-style: chr7-6008990-C-A. GRCh37 (hg19) VCF-style: chr7-6048621-C-A.
Other names: c.-566G>T (NM_001322005.2); c.-561G>T (NM_001322009.2); c.-53+7G>T (NM_001322008.2); c.-243+7G>T (NM_001322010.2, NM_001322004.2); c.-378+7G>T (NM_001322013.2, NM_001322003.2); c.-857+7G>T (NM_001322012.2); c.-457+7G>T (NM_001322015.2); c.-193+7G>T (NM_001322007.2); and 2 more.
Identifiers: ClinVar variation 379154 (VCV000379154.8), dbSNP rs878854047, ClinGen allele CA16605257.

ClinVar aggregate classification (germline): Likely benign. Review status: criteria provided, multiple submitters, no conflicts (2 of 4 stars). 4 submissions from 4 submitters: Likely benign (3). 1 of the submissions does not count toward it. Last evaluated 2022-06-16.

Conditions:
Hereditary nonpolyposis colorectal neoplasms. Identifiers: MedGen C0009405, MeSH D003123.
Endometrial carcinoma. Also called: Endometrial carcinoma, somatic. Identifiers: MedGen C0476089, MONDO:0002447, OMIM 608089, HP:0012114.

gnomAD v4.1: 1 of 1,612,640 alleles (0.000062%); highest among the groups gnomAD compares: Non-Finnish European, 0.000085%; no homozygotes.

Submissions (4):

Labcorp Genetics (formerly Invitae), Labcorp
Classification: Likely benign for Hereditary nonpolyposis colorectal neoplasms. Last evaluated: 2022-06-16. Review status: criteria provided, single submitter. Criteria: Invitae Variant Classification Sherloc (09022015). Collection method: clinical testing. Allele origin: germline.

Quest Diagnostics Nichols Institute San Juan Capistrano
Classification: Likely benign. Last evaluated: 2020-09-10. Review status: criteria provided, single submitter. Criteria: Quest Diagnostics criteria. Collection method: clinical testing. Allele origin: unknown.

GeneDx
Classification: Likely benign. Last evaluated: 2015-10-28. Review status: criteria provided, single submitter. Criteria: GeneDx Variant Classification (06012015). Collection method: clinical testing. Allele origin: germline. Affected: yes.
Comment: This variant is considered likely benign or benign based on one or more of the following criteria: it is a conservative change, it occurs at a poorly conserved position in the protein, it is predicted to be benign by multiple in silico algorithms, and/or has population frequency not consistent with disease.

Department of Pathology and Laboratory Medicine, Sinai Health System
Classification: Uncertain significance for Endometrial carcinoma. Review status: no assertion criteria provided. Collection method: clinical testing. Allele origin: unknown. Affected: yes. Study: The Canadian Open Genetics Repository (COGR). Not counted in ClinVar's aggregate classification.
Comment: PMS2, EXON 1, c.23+7G>T, p.?, Variant of Unknown Significance (ACMG 3) The c.23+7G>T variant was not identified in the literature nor was it identified in the 1000 Genomes Project, HGMD, COSMIC, MutDB, â€šÃ„ÃºMismatch Repair Genes Variant Databaseâ€šÃ„Ã¹, â€šÃ„ÃºMMR Gene Unclassified Variants Databaseâ€šÃ„Ã¹, â€šÃ„ÃºInSiGHT Colon Cancer Databaseâ€šÃ„Ã¹, â€šÃ„ÃºZhejiang Colon Cancer Databaseâ€šÃ„Ã¹ or ClinVar databases. The DNA NOMENCLATURE variant occurs outside of the splicing consensus sequence and in silico or computational prediction software (SpliceSiteFinder, MaxEntScan, NNSPLICE, GeneSplicer, HumanSpliceFinder) does not predict a difference in splicing in 5 of 5 different programs. (However, this information is not predictive enough to rule out pathogenicity.) In summary, based on the above information, the clinical significance of this variant cannot be determined with certainty at this time. This variant is classified as a variant of unknown significance.